The following is an entry in ClinVar:

NM_206933.4(USH2A):c.8846-7T>C

Gene: USH2A (usherin; minus strand). Cytogenetic location: 1q41.
Variant type: single nucleotide variant.
Coding change: c.8846-7T>C on transcript NM_206933.4 (MANE Select); 7 bases into the intron before coding-DNA position 8846, T replaced by C.
Molecular consequence: intron variant.
Genome position (GRCh38, 1-based): chr1:215,846,040, A>G on the plus strand (T>C on the coding strand, the complement: USH2A is on the minus strand). VCF-style: chr1-215846040-A-G. GRCh37 (hg19) VCF-style: chr1-216019382-A-G.
Identifiers: ClinVar variation 769550 (VCV000769550.16), dbSNP rs769662049, ClinGen allele CA1394461.
Genomic context (GRCh38, chr1:215,846,040, plus strand): 5'-CAGAACTCCAAAAAAGTGTGTAATATTCAACTTCACCTTGTAGGTCTTGAACAGCTGTCA[A>G]CAATAAATGCAGGACATGGTGAATGTAGCTGAGGCTTTCAGGGGAAAAAAAAAATTCTAT-3'

ClinVar aggregate classification (germline): Conflicting classifications of pathogenicity. Review status: criteria provided, conflicting classifications (1 of 4 stars). 4 submissions from 4 submitters: Uncertain significance (2); Likely benign (2). Last evaluated 2026-07-13.

Conditions:
USH2A-related disorder. Also called: USH2A-related condition; USH2A-related disorders. Identifiers: MedGen CN239332.

Allele frequency attached by ClinVar (database versions not stated): gnomAD exomes 0.00002 and 0.00007; gnomAD 0.00005 and 0.00006; ExAC 0.00006; TOPMed 0.00006.
gnomAD v4.1: 40 of 1,613,364 alleles (0.0025%); highest among the groups gnomAD compares: Admixed American, 0.023%; no homozygotes.

Submissions (4):

PreventionGenetics, part of Exact Sciences
Classification: Uncertain significance for USH2A-related condition. Last evaluated: 2026-07-13. Review status: criteria provided, single submitter. Criteria: ACMG Guidelines, 2015. Collection method: clinical testing. Allele origin: germline.
Comment: The USH2A c.8846-7T>C variant is predicted to interfere with splicing. To our knowledge, this variant has not been reported in the literature. This variant is reported in 0.031% of alleles in individuals of Latino descent in gnomAD. At this time, the clinical significance of this variant is uncertain due to the absence of conclusive functional and genetic evidence.

Labcorp Genetics (formerly Invitae), Labcorp
Classification: Likely benign. Last evaluated: 2025-12-30. Review status: criteria provided, single submitter. Criteria: Invitae Variant Classification Sherloc (09022015). Collection method: clinical testing. Allele origin: germline.

GeneDx
Classification: Uncertain significance. Last evaluated: 2024-09-27. Review status: criteria provided, single submitter. Criteria: GeneDx Variant Classification Process June 2021. Collection method: clinical testing. Allele origin: germline. Affected: yes.
Comment: In silico analysis supports a deleterious effect on splicing; Located in a region that tolerates variation and lacks pathogenic variants; Has not been previously published as pathogenic or benign to our knowledge

Blueprint Genetics
Classification: Likely benign. Last evaluated: 2024-04-19. Review status: criteria provided, single submitter. Criteria: ACMG Guidelines, 2015. Collection method: clinical testing. Allele origin: germline.